The following is an entry in ClinVar:

NM_001204.7(BMPR2):c.2162A>G (p.Gln721Arg)

Gene: BMPR2 (bone morphogenetic protein receptor type 2; plus strand). Cytogenetic location: 2q33.2.
Variant type: single nucleotide variant.
Coding change: c.2162A>G on transcript NM_001204.7 (MANE Select); coding-DNA position 2162, A replaced by G.
Protein change: p.Gln721Arg; replaces glutamine 721 with arginine.
Molecular consequence: missense variant.
Genome position (GRCh38, 1-based): chr2:202,555,827, A>G. VCF-style: chr2-202555827-A-G. GRCh37 (hg19) VCF-style: chr2-203420550-A-G.
Other names: short protein forms Q721R.
Identifiers: ClinVar variation 1786926 (VCV001786926.3), dbSNP rs368630854, ClinGen allele CA2061497.

ClinVar aggregate classification (germline): Conflicting classifications of pathogenicity. Review status: criteria provided, conflicting classifications (1 of 4 stars). 2 submissions from 2 submitters: Uncertain significance (1); Benign (1). Last evaluated 2025-07-13.

Conditions:
Primary pulmonary hypertension. Also called: Idiopathic pulmonary hypertension. Identifiers: MedGen C0152171.
Inborn genetic diseases. Identifiers: MedGen C0950123, MeSH D030342.

Allele frequency attached by ClinVar (database versions not stated): ExAC 0.00001; gnomAD 0.00001; TOPMed 0.00001; gnomAD exomes 0.00005; ESP Exome Variant Server 0.00008.
gnomAD v4.1: 74 of 1,614,028 alleles (0.0046%); highest among the groups gnomAD compares: Non-Finnish European, 0.0061%; no homozygotes.

Submissions (2):

Labcorp Genetics (formerly Invitae), Labcorp
Classification: Benign for Primary pulmonary hypertension. Last evaluated: 2025-07-13. Review status: criteria provided, single submitter. Criteria: Invitae Variant Classification Sherloc (09022015). Collection method: clinical testing. Allele origin: germline.

Ambry Genetics
Classification: Uncertain significance for Inborn genetic diseases. Last evaluated: 2022-09-24. Review status: criteria provided, single submitter. Criteria: Ambry Variant Classification Scheme 2023. Collection method: clinical testing. Allele origin: germline.
Comment: The p.Q721R variant (also known as c.2162A>G), located in coding exon 12 of the BMPR2 gene, results from an A to G substitution at nucleotide position 2162. The glutamine at codon 721 is replaced by arginine, an amino acid with highly similar properties. This amino acid position is conserved. In addition, the in silico prediction for this alteration is inconclusive. Since supporting evidence is limited at this time, the clinical significance of this alteration remains unclear.